The following is an entry in ClinVar:

NM_001366110.1(PAX4):c.14-2A>G

Gene: PAX4 (paired box 4; minus strand). Cytogenetic location: 7q32.1.
Variant type: single nucleotide variant.
Coding change: c.14-2A>G on transcript NM_001366110.1 (MANE Select); the canonical splice acceptor site of the intron before coding-DNA position 14, A replaced by G.
Molecular consequence: splice acceptor variant.
Genome position (GRCh38, 1-based): chr7:127,615,533, T>C on the plus strand (A>G on the coding strand, the complement: PAX4 is on the minus strand). VCF-style: chr7-127615533-T-C. GRCh37 (hg19) VCF-style: chr7-127255587-T-C.
Other names: c.14-2A>G (NM_001366111.1).
Identifiers: ClinVar variation 2632284 (VCV002632284.1), dbSNP rs2535521779, ClinGen allele CA369179700.

ClinVar aggregate classification (germline): Uncertain significance (1 of 4 stars; one submission).

Conditions:
PAX4-related disorder. Also called: PAX4-related condition.

Submission:

PreventionGenetics, part of Exact Sciences
Classification: Uncertain significance for PAX4-related condition. Last evaluated: 2023-06-20. Review status: criteria provided, single submitter. Criteria: ACMG Guidelines, 2015. Collection method: clinical testing. Allele origin: germline.
Comment: The PAX4 c.14-2A>G variant is predicted to disrupt the AG splice acceptor site and interfere with normal splicing. To our knowledge, this variant has not been reported in the literature or in a large population database, indicating this variant is rare. Predicted loss of function alterations have been reported in affected individuals downstream of this change, but not upstream (Johnson et al. 2019. PubMed ID: 30191644; Human Gene Mutation Database). Although we suspect that this variant may be pathogenic, at this time, the clinical significance of this variant is uncertain due to the absence of conclusive functional and genetic evidence.